The following is an entry in ClinVar:

ClinVar aggregate classification (germline): Likely benign (1 of 4 stars; one submission).

Allele frequency attached by ClinVar (database versions not stated): gnomAD 0.00247; 1000 Genomes Project 30x 0.00265; TOPMed 0.00279; 1000 Genomes Project 0.00300.
gnomAD v4.1: 549 of 943,062 alleles (0.058%); highest among the groups gnomAD compares: African/African-American, 0.83%; 3 homozygotes.

Submission:

GeneDx
Classification: Likely benign. Last evaluated: 2022-01-01. Review status: criteria provided, single submitter. Criteria: GeneDx Variant Classification Process June 2021. Collection method: clinical testing. Allele origin: germline. Affected: yes.
Comment: See Variant Classification Assertion Criteria.

NM_018685.5(ANLN):c.2971-72C>T

Gene: ANLN (anillin, actin binding protein; plus strand). Cytogenetic location: 7p14.2.
Variant type: single nucleotide variant.
Coding change: c.2971-72C>T on transcript NM_018685.5 (MANE Select); 72 bases into the intron before coding-DNA position 2971, C replaced by T.
Molecular consequence: intron variant.
Genome position (GRCh38, 1-based): chr7:36,443,683, C>T. VCF-style: chr7-36443683-C-T. GRCh37 (hg19) VCF-style: chr7-36483292-C-T.
Other names: c.2860-72C>T (NM_001284301.3); c.2857-72C>T (NM_001284302.3).
Identifiers: ClinVar variation 2662368 (VCV002662368.1), dbSNP rs115760311, ClinGen allele CA157086371.